The following is an entry in ClinVar:

ClinVar aggregate classification (germline): Uncertain significance. Review status: criteria provided, multiple submitters, no conflicts (2 of 4 stars). 4 submissions from 4 submitters: Uncertain significance (3). 1 of the submissions does not count toward it. Last evaluated 2025-10-13.

Conditions:
COL2A1-related disorder. Also called: COL2A1-related condition; COL2A1-related disorders.

Allele frequency attached by ClinVar (database versions not stated): ExAC 0.00002; gnomAD exomes 0.00002; TOPMed 0.00002; gnomAD 0.00003; ESP Exome Variant Server 0.00008.
gnomAD v4.1: 28 of 1,612,540 alleles (0.0017%); highest among the groups gnomAD compares: South Asian, 0.0022%; no homozygotes.

Submissions (4):

GeneDx
Classification: Uncertain significance. Last evaluated: 2025-10-13. Review status: criteria provided, single submitter. Criteria: GeneDx Variant Classification Process June 2021. Collection method: clinical testing. Allele origin: germline. Affected: yes.
Comment: Occurs in the triple helical domain at the Y position in the canonical Gly-X-Y repeat; although this variant may have an effect on normal protein folding and function, missense substitution at the Y position is not a common mechanism of disease (HGMD); In silico analysis supports that this missense variant has a deleterious effect on protein structure/function; Has not been previously published as pathogenic or benign to our knowledge

Labcorp Genetics (formerly Invitae), Labcorp
Classification: Uncertain significance. Last evaluated: 2025-09-04. Review status: criteria provided, single submitter. Criteria: Invitae Variant Classification Sherloc (09022015). Collection method: clinical testing. Allele origin: germline.
Comment: This sequence change replaces proline, which is neutral and non-polar, with leucine, which is neutral and non-polar, at codon 821 of the COL2A1 protein (p.Pro821Leu). The frequency data for this variant in the population databases is considered unreliable, as metrics indicate poor data quality at this position in the gnomAD database. This variant has not been reported in the literature in individuals affected with COL2A1-related conditions. ClinVar contains an entry for this variant (Variation ID: 1300664). Experimental studies and prediction algorithms are not available or were not evaluated, and the functional significance of this variant is currently unknown. In summary, the available evidence is currently insufficient to determine the role of this variant in disease. Therefore, it has been classified as a Variant of Uncertain Significance.

Greenwood Genetic Center Diagnostic Laboratories, Greenwood Genetic Center
Classification: Uncertain significance. Last evaluated: 2023-09-25. Review status: criteria provided, single submitter. Criteria: ACMG Guidelines, 2015. Collection method: clinical testing. Allele origin: germline. Affected: yes.
Comment: PM1_Supporting, PP2, PP3

PreventionGenetics, part of Exact Sciences
Classification: Uncertain significance for COL2A1-related condition. Last evaluated: 2024-09-03. Review status: no assertion criteria provided. Collection method: clinical testing. Allele origin: germline. Not counted in ClinVar's aggregate classification.
Comment: The COL2A1 c.2462C>T variant is predicted to result in the amino acid substitution p.Pro821Leu. To our knowledge, this variant has not been reported in the literature. This variant is reported in 0.0047% of alleles in individuals of European (Non-Finnish) descent in gnomAD. At this time, the clinical significance of this variant is uncertain due to the absence of conclusive functional and genetic evidence.

NM_001844.5(COL2A1):c.2462C>T (p.Pro821Leu)

Gene: COL2A1 (collagen type II alpha 1 chain; minus strand). Cytogenetic location: 12q13.11.
Variant type: single nucleotide variant.
Coding change: c.2462C>T on transcript NM_001844.5 (MANE Select); coding-DNA position 2462, C replaced by T.
Protein change: p.Pro821Leu; replaces proline 821 with leucine.
Molecular consequence: missense variant.
Genome position (GRCh38, 1-based): chr12:47,981,344, G>A on the plus strand (C>T on the coding strand, the complement: COL2A1 is on the minus strand). VCF-style: chr12-47981344-G-A. GRCh37 (hg19) VCF-style: chr12-48375127-G-A.
Other names: c.2255C>T, p.Pro752Leu (NM_033150.3); short protein forms P752L, P821L.
Identifiers: ClinVar variation 1300664 (VCV001300664.12), dbSNP rs201963052, ClinGen allele CA6535093.